The following is an entry in ClinVar:

NM_003200.5(TCF3):c.1213C>T (p.Arg405Cys)

Gene: TCF3 (transcription factor 3; minus strand). Cytogenetic location: 19p13.3.
Variant type: single nucleotide variant.
Coding change: c.1213C>T on transcript NM_003200.5 (MANE Select); coding-DNA position 1213, C replaced by T.
Protein change: p.Arg405Cys; replaces arginine 405 with cysteine.
Molecular consequence: missense variant.
Genome position (GRCh38, 1-based): chr19:1,619,429, G>A on the plus strand (C>T on the coding strand, the complement: TCF3 is on the minus strand). VCF-style: chr19-1619429-G-A. GRCh37 (hg19) VCF-style: chr19-1619428-G-A.
Other names: c.1213C>T, p.Arg405Cys (NM_001136139.4, NM_001351779.2); c.1210C>T, p.Arg404Cys (NM_001351778.2); short protein forms R404C, R405C.
Identifiers: ClinVar variation 1364537 (VCV001364537.6), dbSNP rs757623802, ClinGen allele CA9049976.
Genomic context (GRCh38, chr19:1,619,429, plus strand): 5'-GCGCCCCGTGGCCAGGCAGCAGCGTGTGCATGTCGCCGGCTGTGCCCACGGCGTGGCTGC[G>A]GAGCACGTGGATGGCCTCGTCCAGGTGGTCTTCTATCTTACTCTGCTGCAGGGTGGGGGG-3'
Protein context (NP_003191.1, residues 395-415): DHLDEAIHVL[Arg405Cys]SHAVGTAGDM

ClinVar aggregate classification (germline): Uncertain significance (1 of 4 stars; one submission).

Allele frequency attached by ClinVar (database versions not stated): TOPMed 0.00002.

Submission:

Labcorp Genetics (formerly Invitae), Labcorp
Classification: Uncertain significance. Last evaluated: 2023-05-22. Review status: criteria provided, single submitter. Criteria: Invitae Variant Classification Sherloc (09022015). Collection method: clinical testing. Allele origin: germline.
Comment: In summary, the available evidence is currently insufficient to determine the role of this variant in disease. Therefore, it has been classified as a Variant of Uncertain Significance. This sequence change replaces arginine, which is basic and polar, with cysteine, which is neutral and slightly polar, at codon 405 of the TCF3 protein (p.Arg405Cys). This variant is present in population databases (rs757623802, gnomAD 0.009%). Advanced modeling of protein sequence and biophysical properties (such as structural, functional, and spatial information, amino acid conservation, physicochemical variation, residue mobility, and thermodynamic stability) performed at Invitae indicates that this missense variant is expected to disrupt TCF3 protein function. ClinVar contains an entry for this variant (Variation ID: 1364537). This variant has not been reported in the literature in individuals affected with TCF3-related conditions.